The following is an entry in ClinVar:

NM_018127.7(ELAC2):c.1147C>A (p.His383Asn)

Gene: ELAC2 (elaC ribonuclease Z 2; minus strand). Cytogenetic location: 17p12.
Variant type: single nucleotide variant.
Coding change: c.1147C>A on transcript NM_018127.7 (MANE Select); coding-DNA position 1147, C replaced by A.
Protein change: p.His383Asn; replaces histidine 383 with asparagine.
Molecular consequence: missense variant.
Genome position (GRCh38, 1-based): chr17:13,002,512, G>T on the plus strand (C>A on the coding strand, the complement: ELAC2 is on the minus strand). VCF-style: chr17-13002512-G-T. GRCh37 (hg19) VCF-style: chr17-12905829-G-T.
Other names: c.1027C>A, p.His343Asn (NM_001165962.2); c.1147C>A, p.His383Asn (NM_173717.2); short protein forms H383N, H343N.
Identifiers: ClinVar variation 1499086 (VCV001499086.23), dbSNP rs187129692, ClinGen allele CA398225443.

ClinVar aggregate classification (germline): Uncertain significance. Review status: criteria provided, multiple submitters, no conflicts (2 of 4 stars). 2 submissions from 2 submitters: Uncertain significance (2). Last evaluated 2024-05-01.

Conditions:
Combined oxidative phosphorylation defect type 17. Also called: Combined oxidative phosphorylation deficiency 17. Identifiers: Orphanet 369913, MedGen C3809526, MONDO:0014190, OMIM 615440.

gnomAD v4.1: 8 of 1,605,512 alleles (0.0005%); highest among the groups gnomAD compares: Non-Finnish European, 0.0006%; no homozygotes.

Submissions (2):

CeGaT Center for Human Genetics Tuebingen
Classification: Uncertain significance. Last evaluated: 2024-05-01. Review status: criteria provided, single submitter. Criteria: CeGaT Center For Human Genetics Tuebingen Variant Classification Criteria Version 2. Collection method: clinical testing. Allele origin: germline. Affected: yes. Observed: 1 variant allele.
Comment: ELAC2: PM2, BP4

Labcorp Genetics (formerly Invitae), Labcorp
Classification: Uncertain significance for Combined oxidative phosphorylation defect type 17. Last evaluated: 2021-11-05. Review status: criteria provided, single submitter. Criteria: Invitae Variant Classification Sherloc (09022015). Collection method: clinical testing. Allele origin: germline.
Comment: This sequence change replaces histidine, which is basic and polar, with asparagine, which is neutral and polar, at codon 383 of the ELAC2 protein (p.His383Asn). The frequency data for this variant in the population databases is considered unreliable, as metrics indicate poor data quality at this position in the gnomAD database. This variant has not been reported in the literature in individuals affected with ELAC2-related conditions. Algorithms developed to predict the effect of missense changes on protein structure and function (SIFT, PolyPhen-2, Align-GVGD) all suggest that this variant is likely to be tolerated. In summary, the available evidence is currently insufficient to determine the role of this variant in disease. Therefore, it has been classified as a Variant of Uncertain Significance.